The following is an entry in ClinVar:

NM_000059.4(BRCA2):c.2234_2235del (p.Lys745fs)

Gene: BRCA2 (BRCA2 DNA repair associated; plus strand). Cytogenetic location: 13q13.1.
Variant type: Deletion.
Coding change: c.2234_2235del on transcript NM_000059.4 (MANE Select); coding-DNA positions 2234 to 2235, 2 bases deleted (AA; older notation c.2234_2235delAA).
Protein change: p.Lys745fs; shifts the reading frame from lysine 745.
Molecular consequence: frameshift variant. On other transcripts: non-coding transcript variant (1), intron variant (2).
Genome position (GRCh38, 1-based): chr13:32,336,589-32,336,590, AA deleted; deleting any 2 consecutive bases within chr13:32,336,587-32,336,590 gives the same sequence; the c. name uses the placement nearest the transcript's 3' end. VCF-style (leftmost placement, unchanged base first): chr13-32336586-CAA-C. GRCh37 (hg19) VCF-style: chr13-32910723-CAA-C.
Other names: c.2234_2235del, p.Lys745fs (NM_001406719.1, NM_001406720.1, NM_001432077.1); c.1909+3202_1909+3203del (NM_001406721.1); c.424+5559_424+5560del (NM_001406722.1); short protein forms K745fs.
Identifiers: ClinVar variation 4086790 (VCV004086790.1).

ClinVar aggregate classification (germline): Likely pathogenic (1 of 4 stars; one submission).

Conditions:
Breast-ovarian cancer, familial, susceptibility to, 1 (BROVCA1). Also called: BRCA1 Hereditary Breast and Ovarian Cancer; OVARIAN CANCER, SUSCEPTIBILITY TO. Identifiers: Orphanet 145, MedGen C2676676, MONDO:0011450, OMIM 604370. Disease mechanism: loss of function.

Submission:

Medical Genetics Laboratory, Aydin Adnan Menderes University
Classification: Likely pathogenic for Breast-ovarian cancer, familial, susceptibility to, 1. Last evaluated: 2025-07-19. Review status: criteria provided, single submitter. Criteria: ACMG Guidelines, 2015. Collection method: clinical testing. Allele origin: germline. Inheritance: Autosomal dominant inheritance. Affected: yes. Observed: 1 heterozygote.
Comment: The BRCA2:c.2234_2235del p.(Lys745Serfs*5) variant is a novel frameshift variant predicted to cause NMD. Given the well-established role of BRCA2 loss-of-function in hereditary breast and ovarian cancer, and the absence of the variant in gnomAD, it is classified as likely pathogenic (PVS1, PM2).